The following is an entry in ClinVar:

NM_022081.6(HPS4):c.1123C>A (p.Pro375Thr)

Gene: HPS4 (HPS4 biogenesis of lysosomal organelles complex 3 subunit 2; minus strand). Cytogenetic location: 22q12.1.
Variant type: single nucleotide variant.
Coding change: c.1123C>A on transcript NM_022081.6 (MANE Select); coding-DNA position 1123, C replaced by A.
Protein change: p.Pro375Thr; replaces proline 375 with threonine.
Molecular consequence: missense variant. On other transcripts: non-coding transcript variant (8).
Genome position (GRCh38, 1-based): chr22:26,464,507, G>T on the plus strand (C>A on the coding strand, the complement: HPS4 is on the minus strand). VCF-style: chr22-26464507-G-T. GRCh37 (hg19) VCF-style: chr22-26860473-G-T.
Other names: c.1123C>A, p.Pro375Thr (NM_001349896.1, NM_001349898.2, NM_001349899.2 and 4 more transcripts); c.1177C>A, p.Pro393Thr (NM_001349900.2, NM_001349901.1); c.1108C>A, p.Pro370Thr (NM_152841.2); short protein forms P375T, P393T, P370T.
Identifiers: ClinVar variation 1393048 (VCV001393048.6), dbSNP rs2146556946, ClinGen allele CA411027952.
Genomic context (GRCh38, chr22:26,464,507, plus strand): 5'-GAACAGGCACATGTAGGAAGGCAAAATGACCTGAGGCCATTTCCACTTCCTGAGCCTCTG[G>T]AATGTGGATTTCAGACAAGTCGAGTTCTTCTTGGAGAAAGACTAGTTCCTTCCCCAGGGA-3'
Protein context (NP_071364.4, residues 365-385): EELDLSEIHI[Pro375Thr]EAQEVEMASG

ClinVar aggregate classification (germline): Uncertain significance (1 of 4 stars; one submission).

Submission:

Labcorp Genetics (formerly Invitae), Labcorp
Classification: Uncertain significance. Last evaluated: 2024-10-15. Review status: criteria provided, single submitter. Criteria: Invitae Variant Classification Sherloc (09022015). Collection method: clinical testing. Allele origin: germline.
Comment: This sequence change replaces proline, which is neutral and non-polar, with threonine, which is neutral and polar, at codon 375 of the HPS4 protein (p.Pro375Thr). This variant is not present in population databases (gnomAD no frequency). This variant has not been reported in the literature in individuals affected with HPS4-related conditions. ClinVar contains an entry for this variant (Variation ID: 1393048). An algorithm developed to predict the effect of missense changes on protein structure and function (PolyPhen-2) suggests that this variant is likely to be tolerated. In summary, the available evidence is currently insufficient to determine the role of this variant in disease. Therefore, it has been classified as a Variant of Uncertain Significance.